The following is an entry in ClinVar:

NM_001005361.3(DNM2):c.1196+761G>A

Gene: DNM2 (dynamin 2; plus strand). Cytogenetic location: 19p13.2.
Variant type: single nucleotide variant.
Coding change: c.1196+761G>A on transcript NM_001005361.3 (MANE Select); 761 bases into the intron after coding-DNA position 1196, G replaced by A.
Molecular consequence: intron variant. On other transcripts: splice donor variant (3).
Genome position (GRCh38, 1-based): chr19:10,796,200, G>A. VCF-style: chr19-10796200-G-A. GRCh37 (hg19) VCF-style: chr19-10906876-G-A.
Other names: c.1335+1G>A (NM_001005360.3, NM_001190716.2, NM_004945.4); c.1196+761G>A (NM_001005362.3).
Identifiers: ClinVar variation 662445 (VCV000662445.7), dbSNP rs1431565635, ClinGen allele CA404049145.

ClinVar aggregate classification (germline): Uncertain significance (1 of 4 stars; one submission).

Conditions:
Charcot-Marie-Tooth disease dominant intermediate B (CMTDIB). Also called: CHARCOT-MARIE-TOOTH NEUROPATHY, DOMINANT INTERMEDIATE B; Charcot-Marie-Tooth disease dominant intermediate 1; CMT DI1; Charcot-Marie-Tooth disease dominant intermediate I. Identifiers: Orphanet 100044, Orphanet 228179, MedGen C1847902, MONDO:0011674, OMIM 606482.

Allele frequency attached by ClinVar (database versions not stated): TOPMed below 0.00001.

Submission:

Labcorp Genetics (formerly Invitae), Labcorp
Classification: Uncertain significance for Charcot-Marie-Tooth disease dominant intermediate B. Last evaluated: 2018-10-11. Review status: criteria provided, single submitter. Criteria: Invitae Variant Classification Sherloc (09022015). Collection method: clinical testing. Allele origin: germline.
Comment: In summary, the available evidence is currently insufficient to determine the role of this variant in disease. Therefore, it has been classified as a Variant of Uncertain Significance. This sequence change affects a donor splice site in intron 10 of the DNM2 gene. It is expected to disrupt RNA splicing and likely results in an absent or disrupted protein product. This variant is not present in population databases (ExAC no frequency). This variant has not been reported in the literature in individuals with DNM2-related disease. Algorithms developed to predict the effect of sequence changes on RNA splicing suggest that this variant may disrupt the consensus splice site, but this prediction has not been confirmed by published transcriptional studies. The current clinical and genetic evidence is not sufficient to establish whether loss-of-function variants in DNM2 cause disease.